The following is an entry in ClinVar:

NM_000158.4(GBE1):c.466C>T (p.Arg156Cys)

Gene: GBE1 (1,4-alpha-glucan branching enzyme 1; minus strand). Cytogenetic location: 3p12.2.
Variant type: single nucleotide variant.
Coding change: c.466C>T on transcript NM_000158.4 (MANE Select); coding-DNA position 466, C replaced by T.
Protein change: p.Arg156Cys; replaces arginine 156 with cysteine.
Molecular consequence: missense variant.
Genome position (GRCh38, 1-based): chr3:81,649,885, G>A on the plus strand (C>T on the coding strand, the complement: GBE1 is on the minus strand). VCF-style: chr3-81649885-G-A. GRCh37 (hg19) VCF-style: chr3-81699036-G-A.
Other names: c.466C>T (NM_000158.3); short protein forms R156C.
Identifiers: ClinVar variation 989810 (VCV000989810.8), dbSNP rs763302311, ClinGen allele CA2499959.

ClinVar aggregate classification (germline): Conflicting classifications of pathogenicity. Review status: criteria provided, conflicting classifications (1 of 4 stars). 5 submissions from 5 submitters: Likely pathogenic (1); Uncertain significance (2). 2 of the submissions do not count toward it. Last evaluated 2025-04-28.

Conditions:
Adult polyglucosan body disease (APBN). Also called: POLYGLUCOSAN BODY DISEASE, ADULT FORM; GBE1-Adult Polyglucosan Body Disease. Identifiers: Orphanet 206583, MedGen C1849722, MONDO:0009897, OMIM 263570.
Inborn genetic diseases. Identifiers: MedGen C0950123, MeSH D030342.
Glycogen storage disease, type IV (GSD4). Also called: AMYLOPECTINOSIS; ANDERSEN DISEASE; BRANCHER DEFICIENCY; CIRRHOSIS, FAMILIAL, WITH DEPOSITION OF ABNORMAL GLYCOGEN; GBE1 DEFICIENCY; GLYCOGEN BRANCHING ENZYME DEFICIENCY. Identifiers: Orphanet 367, MedGen C0017923, MONDO:0009292, OMIM 232500.
Glycogen storage disease IV, classic hepatic. Also called: GSD IV, CLASSIC HEPATIC. Identifiers: MedGen C1856301.

Allele frequency attached by ClinVar (database versions not stated): TOPMed below 0.00001; gnomAD 0.00001; ExAC 0.00004; gnomAD exomes 0.00006.

Submissions (5):

Labcorp Genetics (formerly Invitae), Labcorp
Classification: Likely pathogenic for Glycogen storage disease, type IV; Glycogen storage disease IV, classic hepatic. Last evaluated: 2025-04-28. Review status: criteria provided, single submitter. Criteria: Invitae Variant Classification Sherloc (09022015). Collection method: clinical testing. Allele origin: germline.
Comment: This sequence change replaces arginine, which is basic and polar, with cysteine, which is neutral and slightly polar, at codon 156 of the GBE1 protein (p.Arg156Cys). This variant is present in population databases (rs763302311, gnomAD 0.04%). This missense change has been observed in individual(s) with adult polyglucosan body disease (PMID: 38764721). In at least one individual the data is consistent with being in trans (on the opposite chromosome) from a pathogenic variant. ClinVar contains an entry for this variant (Variation ID: 989810). Invitae Evidence Modeling of protein sequence and biophysical properties (such as structural, functional, and spatial information, amino acid conservation, physicochemical variation, residue mobility, and thermodynamic stability) has been performed for this missense variant. However, the output from this modeling did not meet the statistical confidence thresholds required to predict the impact of this variant on GBE1 protein function. In summary, the currently available evidence indicates that the variant is pathogenic, but additional data are needed to prove that conclusively. Therefore, this variant has been classified as Likely Pathogenic.

Ambry Genetics
Classification: Uncertain significance for Inborn genetic diseases. Last evaluated: 2024-01-23. Review status: criteria provided, single submitter. Criteria: Ambry Variant Classification Scheme 2023. Collection method: clinical testing. Allele origin: germline.

AiLife Diagnostics
Classification: Uncertain significance. Last evaluated: 2021-12-30. Review status: criteria provided, single submitter. Criteria: ACMG Guidelines, 2015. Collection method: clinical testing. Allele origin: germline. Affected: yes. Observed: 1 variant allele.

Natera, Inc.
Classification: Uncertain significance for Glycogen storage disease type IV. Last evaluated: 2020-05-06. Review status: no assertion criteria provided. Collection method: clinical testing. Allele origin: germline. Not counted in ClinVar's aggregate classification.

Department of Traditional Chinese Medicine, Fujian Provincial Hospital
Classification: Likely pathogenic for Adult polyglucosan body disease. Review status: no assertion criteria provided. Collection method: research. Allele origin: unknown. Not counted in ClinVar's aggregate classification.
Comment: Whole-exome sequencing of the family revealed a missense mutation in GBE1(NM_000158.3):c.466C>T(p.R156C).According to ACMG criteria, this mutation is classified as likely pathogenic:PM2_supporting(frequency<0.00002(0.002%,1/50,000)as recorded in the MtDB and MITOMAP databases), PP3_Moderate(multiple statistical methods predict that the variant will have a deleterious effect on the gene or gene product, including conservation prediction, evolutionary prediction, and splice site impact), PM3(a pathogenic variant detected in trans for a recessive disorder), and PP4(the phenotype of the variant carrier or family history is highly consistent with a monogenic disorder). Chen et al. have previously reported similar mutations(PMID:38764721, PMID:14755501).Therefore, we classified it as likely pathogenic.

Literature cited by the submitters: PubMed 38764721 (cited by Labcorp Genetics (formerly Invitae), Labcorp and Department of Traditional Chinese Medicine, Fujian Provincial Hospital); PubMed 14755501 (cited by Department of Traditional Chinese Medicine, Fujian Provincial Hospital).